The following is an entry in ClinVar:

NM_173471.4(SLC25A26):c.-353-207C>T

Gene: SLC25A26 (solute carrier family 25 member 26; plus strand). Cytogenetic location: 3p14.1.
Variant type: single nucleotide variant.
Coding change: c.-353-207C>T on transcript NM_173471.4; 207 bases into the intron before 353 bases upstream of the start codon, C replaced by T.
Molecular consequence: intron variant.
Genome position (GRCh38, 1-based): chr3:66,220,535, C>T. VCF-style: chr3-66220535-C-T. GRCh37 (hg19) VCF-style: chr3-66270961-C-T.
Identifiers: ClinVar variation 683876 (VCV000683876.3), dbSNP rs36137829, ClinGen allele CA76462379.

ClinVar aggregate classification (germline): Benign (1 of 4 stars; one submission).

Allele frequency attached by ClinVar (database versions not stated): TOPMed 0.79844; gnomAD 0.80855 and 0.81253; 1000 Genomes Project 0.78275; 1000 Genomes Project 30x 0.77936.
gnomAD v4.1: 123,540 of 151,816 alleles (81%); highest among the groups gnomAD compares: Middle Eastern, 92%; 51,312 homozygotes.

Submission:

GeneDx
Classification: Benign. Last evaluated: 2018-06-14. Review status: criteria provided, single submitter. Criteria: GeneDx Variant Classification (06012015). Collection method: clinical testing. Allele origin: germline. Affected: yes.
Comment: This variant is considered likely benign or benign based on one or more of the following criteria: it is a conservative change, it occurs at a poorly conserved position in the protein, it is predicted to be benign by multiple in silico algorithms, and/or has population frequency not consistent with disease.